The following is an entry in ClinVar:

NM_000183.3(HADHB):c.637_638delinsTA (p.Ala213Ter)

Gene: HADHB (hydroxyacyl-CoA dehydrogenase trifunctional multienzyme complex subunit beta; plus strand). Cytogenetic location: 2p23.3.
Variant type: Indel.
Coding change: c.637_638delinsTA on transcript NM_000183.3 (MANE Select); coding-DNA positions 637 to 638, GC replaced by TA.
Protein change: p.Ala213Ter; replaces alanine 213 with a stop codon.
Molecular consequence: nonsense.
Genome position (GRCh38, 1-based): chr2:26,279,141-26,279,142, GC replaced by TA. VCF-style: chr2-26279141-GC-TA. GRCh37 (hg19) VCF-style: chr2-26502009-GC-TA.
Other names: c.592_593delinsTA, p.Ala198Ter (NM_001281512.2); c.571_572delinsTA, p.Ala191Ter (NM_001281513.2); short protein forms A191*, A213*, A198*.
Identifiers: ClinVar variation 2835352 (VCV002835352.3), dbSNP rs2465720178, ClinGen allele CA2739274252.

ClinVar aggregate classification (germline): Pathogenic (1 of 4 stars; one submission).

Conditions:
Mitochondrial trifunctional protein deficiency. Identifiers: Orphanet 746, MedGen C1969443, MONDO:0012172.

Submission:

Labcorp Genetics (formerly Invitae), Labcorp
Classification: Pathogenic for Mitochondrial trifunctional protein deficiency. Last evaluated: 2023-07-03. Review status: criteria provided, single submitter. Criteria: Invitae Variant Classification Sherloc (09022015). Collection method: clinical testing. Allele origin: germline.
Comment: This sequence change creates a premature translational stop signal (p.Ala213*) in the HADHB gene. It is expected to result in an absent or disrupted protein product. Loss-of-function variants in HADHB are known to be pathogenic (PMID: 9259266, 12754706). For these reasons, this variant has been classified as Pathogenic. This variant has not been reported in the literature in individuals affected with HADHB-related conditions. Information on the frequency of this variant in the gnomAD database is not available, as this variant may be reported differently in the database.

Literature cited by the submitters: PubMed 9259266; PubMed 12754706.